The following is an entry in ClinVar:

ClinVar aggregate classification (germline): Uncertain significance (1 of 4 stars; one submission).

Conditions:
Arrhythmogenic cardiomyopathy with wooly hair and keratoderma. Also called: Arrhythmogenic cardiomyopathy with woolly hair and keratoderma; Carvajal syndrome; Dilated cardiomyopathy with woolly hair and keratoderma; PALMOPLANTAR KERATODERMA WITH LEFT VENTRICULAR CARDIOMYOPATHY AND WOOLLY HAIR. Identifiers: Orphanet 65282, MedGen C1854063, MONDO:0011581, OMIM 605676.
Arrhythmogenic right ventricular dysplasia 8 (ARVD8). Also called: ARRHYTHMOGENIC RIGHT VENTRICULAR DYSPLASIA, FAMILIAL, 8; ARRHYTHMOGENIC RIGHT VENTRICULAR CARDIOMYOPATHY 8; Arrhythmogenic Right Ventricular Dysplasia/Cardiomyopathy 8. Identifiers: MedGen C1843896, MONDO:0011831, OMIM 607450.

Allele frequency attached by ClinVar (database versions not stated): gnomAD exomes below 0.00001; ExAC 0.00001.
gnomAD v4.1: 1 of 1,614,198 alleles (0.000062%); highest among the groups gnomAD compares: Non-Finnish European, 0.000085%; no homozygotes.

Submission:

Labcorp Genetics (formerly Invitae), Labcorp
Classification: Uncertain significance for Arrhythmogenic cardiomyopathy with wooly hair and keratoderma; Arrhythmogenic right ventricular dysplasia 8. Last evaluated: 2021-04-16. Review status: criteria provided, single submitter. Criteria: Invitae Variant Classification Sherloc (09022015). Collection method: clinical testing. Allele origin: germline.
Comment: This sequence change replaces alanine with valine at codon 2788 of the DSP protein (p.Ala2788Val). The alanine residue is highly conserved and there is a small physicochemical difference between alanine and valine. This variant is present in population databases (rs748307773, ExAC 0.001%). This variant has not been reported in the literature in individuals with DSP-related conditions. Algorithms developed to predict the effect of missense changes on protein structure and function (SIFT, PolyPhen-2, Align-GVGD) all suggest that this variant is likely to be disruptive, but these predictions have not been confirmed by published functional studies and their clinical significance is uncertain. In summary, the available evidence is currently insufficient to determine the role of this variant in disease. Therefore, it has been classified as a Variant of Uncertain Significance.

NM_004415.4(DSP):c.8363C>T (p.Ala2788Val)

Gene: DSP (desmoplakin; plus strand). Cytogenetic location: 6p24.3.
Variant type: single nucleotide variant.
Coding change: c.8363C>T on transcript NM_004415.4 (MANE Select); coding-DNA position 8363, C replaced by T.
Protein change: p.Ala2788Val; replaces alanine 2788 with valine.
Molecular consequence: missense variant.
Genome position (GRCh38, 1-based): chr6:7,585,625, C>T. VCF-style: chr6-7585625-C-T. GRCh37 (hg19) VCF-style: chr6-7585858-C-T.
Other names: c.6566C>T, p.Ala2189Val (NM_001008844.3); c.7034C>T, p.Ala2345Val (NM_001319034.2); short protein forms A2788V, A2189V, A2345V.
Identifiers: ClinVar variation 1421966 (VCV001421966.8), dbSNP rs748307773, ClinGen allele CA052109.